The following is an entry in ClinVar:

NM_001291303.3(FAT4):c.1886G>A (p.Arg629Gln)

Gene: FAT4 (FAT atypical cadherin 4; plus strand). Cytogenetic location: 4q28.1.
Variant type: single nucleotide variant.
Coding change: c.1886G>A on transcript NM_001291303.3 (MANE Select); coding-DNA position 1886, G replaced by A.
Protein change: p.Arg629Gln; replaces arginine 629 with glutamine.
Molecular consequence: missense variant.
Genome position (GRCh38, 1-based): chr4:125,318,297, G>A. VCF-style: chr4-125318297-G-A. GRCh37 (hg19) VCF-style: chr4-126239452-G-A.
Other names: c.1886G>A, p.Arg629Gln (NM_001291285.3, NM_024582.6); short protein forms R629Q.
Identifiers: ClinVar variation 2094017 (VCV002094017.4), dbSNP rs1446785995, ClinGen allele CA358118958.

ClinVar aggregate classification (germline): Uncertain significance (1 of 4 stars; one submission).

Allele frequency attached by ClinVar (database versions not stated): gnomAD exomes below 0.00001; TOPMed 0.00001.
gnomAD v4.1: 6 of 1,614,208 alleles (0.00037%); highest among the groups gnomAD compares: South Asian, 0.0022%; no homozygotes.

Submission:

Labcorp Genetics (formerly Invitae), Labcorp
Classification: Uncertain significance. Last evaluated: 2024-02-24. Review status: criteria provided, single submitter. Criteria: Invitae Variant Classification Sherloc (09022015). Collection method: clinical testing. Allele origin: germline.
Comment: This sequence change replaces arginine, which is basic and polar, with glutamine, which is neutral and polar, at codon 629 of the FAT4 protein (p.Arg629Gln). This variant is present in population databases (no rsID available, gnomAD 0.003%). This variant has not been reported in the literature in individuals affected with FAT4-related conditions. ClinVar contains an entry for this variant (Variation ID: 2094017). Advanced modeling of protein sequence and biophysical properties (such as structural, functional, and spatial information, amino acid conservation, physicochemical variation, residue mobility, and thermodynamic stability) performed at Invitae indicates that this missense variant is not expected to disrupt FAT4 protein function with a negative predictive value of 80%. In summary, the available evidence is currently insufficient to determine the role of this variant in disease. Therefore, it has been classified as a Variant of Uncertain Significance.